The following is an entry in ClinVar:

NM_000016.6(ACADM):c.250C>T (p.Leu84Phe)

Gene: ACADM (acyl-CoA dehydrogenase medium chain; plus strand). Cytogenetic location: 1p31.1.
Variant type: single nucleotide variant.
Coding change: c.250C>T on transcript NM_000016.6 (MANE Select); coding-DNA position 250, C replaced by T.
Protein change: p.Leu84Phe; replaces leucine 84 with phenylalanine.
Molecular consequence: missense variant. On other transcripts: 5 prime UTR variant (1).
Genome position (GRCh38, 1-based): chr1:75,732,886, C>T. VCF-style: chr1-75732886-C-T. GRCh37 (hg19) VCF-style: chr1-76198571-C-T.
Other names: c.262C>T, p.Leu88Phe (NM_001127328.3); c.142C>T, p.Leu48Phe (NM_001286042.2); c.250C>T, p.Leu84Phe (NM_001286043.2); c.-136C>T (NM_001286044.2); short protein forms L84F, L88F, L48F.
Identifiers: ClinVar variation 226097 (VCV000226097.39), dbSNP rs762114560, ClinGen allele CA913006.
Genomic context (GRCh38, chr1:75,732,886, plus strand): 5'-ATTTTAACTCAGTTCTTTTTCTTCTAGTATCCAGTCCCCCTAATTAGAAGAGCCTGGGAA[C>T]TTGGTTTAATGAACACACACATTCCAGAGAACTGTGGTAAGCTTTCTTTATATTTTTAAT-3'
Protein context (NP_000007.1, residues 74-94): PVPLIRRAWE[Leu84Phe]GLMNTHIPEN

ClinVar aggregate classification (germline): Pathogenic/Likely pathogenic. Review status: criteria provided, multiple submitters, no conflicts (2 of 4 stars). 14 submissions from 14 submitters: Pathogenic (12); Likely pathogenic (1). 1 of the submissions does not count toward it. Last evaluated 2026-08-01.

Conditions:
ACADM-related disorder. Also called: ACADM-related condition.
Medium-chain acyl-coenzyme A dehydrogenase deficiency (ACADMD). Also called: ACADM DEFICIENCY; MCAD Deficiency; MCADD; CARNITINE DEFICIENCY SECONDARY TO MEDIUM-CHAIN ACYL-CoA DEHYDROGENASE DEFICIENCY; MCADH DEFICIENCY; Medium chain acyl-CoA dehydrogenase deficiency. Identifiers: Orphanet 42, MedGen C0220710, MONDO:0008721, OMIM 201450.

Allele frequency attached by ClinVar (database versions not stated): TOPMed 0.00005; gnomAD exomes 0.00007 and 0.00011; ExAC 0.00005; gnomAD 0.00007.
gnomAD v4.1: 163 of 1,613,818 alleles (0.01%); highest among the groups gnomAD compares: Non-Finnish European, 0.013%; no homozygotes.

Submissions (14):

CeGaT Center for Human Genetics Tuebingen
Classification: Pathogenic. Last evaluated: 2026-08-01. Review status: criteria provided, single submitter. Criteria: CeGaT Center For Human Genetics Tuebingen Variant Classification Criteria Version 2. Collection method: clinical testing. Allele origin: germline. Affected: yes. Observed: 1 variant allele.
Comment: ACADM: PM3:Very Strong, PM2, PP4:Moderate

Labcorp Genetics (formerly Invitae), Labcorp
Classification: Pathogenic for Medium-chain acyl-coenzyme A dehydrogenase deficiency. Last evaluated: 2026-01-12. Review status: criteria provided, single submitter. Criteria: Invitae Variant Classification Sherloc (09022015). Collection method: clinical testing. Allele origin: germline.
Comment: This sequence change replaces leucine, which is neutral and non-polar, with phenylalanine, which is neutral and non-polar, at codon 84 of the ACADM protein (p.Leu84Phe). This variant is present in population databases (rs762114560, gnomAD 0.01%). This missense change has been observed in individual(s) with MCAD deficiency (PMID: 16291504, 20434380, 21083904). ClinVar contains an entry for this variant (Variation ID: 226097). Invitae Evidence Modeling of protein sequence and biophysical properties (such as structural, functional, and spatial information, amino acid conservation, physicochemical variation, residue mobility, and thermodynamic stability) indicates that this missense variant is not expected to disrupt ACADM protein function with a negative predictive value of 80%. For these reasons, this variant has been classified as Pathogenic.

Natera, Inc.
Classification: Pathogenic for Medium Chain Acyl-CoA Dehydrogenase Deficiency. Last evaluated: 2025-12-22. Review status: criteria provided, single submitter. Criteria: Natera Variant Classification Schema (03/2026). Collection method: clinical testing. Allele origin: germline.
Comment: The c.250C>T variant in ACADM is a missense variant predicted to cause substitution of leucine to phenylalanine at amino acid 84. This variant is rare in the general population with a frequency below the threshold expected for the associated phenotype(s). This variant has been observed in one or more individuals affected with the associated recessive disease, as either homozygous or compound heterozygous with a second variant (PMID: 22542437, 20434380). Computational prediction algorithms indicate this variant is likely to affect gene or protein function. Given the available evidence, this variant is classified as Pathogenic.

GeneDx
Classification: Pathogenic. Last evaluated: 2025-09-08. Review status: criteria provided, single submitter. Criteria: GeneDx Variant Classification Process June 2021. Collection method: clinical testing. Allele origin: germline. Affected: yes.
Comment: Not observed at significant frequency in large population cohorts (gnomAD); In silico analysis supports that this missense variant has a deleterious effect on protein structure/function; Also known as p.(L59F); This variant is associated with the following publications: (PMID: 20434380, 16291504, 25525159, 21228398, 23829193, 31589614, 32778825, 31980526, 31012112, 35488281, 22975760, 27477829, 33123633, 18450854, 21083904, 22630369, 24718418, 23798014, 35629059, 40660651)

First Genomix Gene Laboratory, Genetic Diagnostics Department
Classification: Pathogenic for Medium-chain acyl-coenzyme A dehydrogenase deficiency. Last evaluated: 2025-06-19. Review status: criteria provided, single submitter. Criteria: ACMG Guidelines, 2015. Collection method: clinical testing. Allele origin: germline. Inheritance: Autosomal recessive inheritance. Affected: no. Observed: 1 variant allele.

Blueprint Genetics
Classification: Pathogenic for ACADM-related disorders. Last evaluated: 2024-08-15. Review status: criteria provided, single submitter. Criteria: ACMG Guidelines, 2015. Collection method: clinical testing. Allele origin: de novo. Affected: yes. Observed: 5 variant alleles.

Baylor Genetics
Classification: Pathogenic for Medium-chain acyl-coenzyme A dehydrogenase deficiency. Last evaluated: 2024-03-27. Review status: criteria provided, single submitter. Criteria: ACMG Guidelines, 2015. Collection method: clinical testing. Allele origin: unknown.

Revvity Omics, Revvity
Classification: Likely pathogenic for Medium-chain acyl-coenzyme A dehydrogenase deficiency. Last evaluated: 2024-03-27. Review status: criteria provided, single submitter. Criteria: ACMG Guidelines, 2015. Collection method: clinical testing. Allele origin: germline.

Equipe Genetique des Anomalies du Developpement, Université de Bourgogne
Classification: Pathogenic for Medium-chain acyl-coenzyme A dehydrogenase deficiency. Last evaluated: 2023-11-09. Review status: criteria provided, single submitter. Criteria: ACMG Guidelines, 2015. Collection method: clinical testing. Allele origin: maternal. Inheritance: Autosomal recessive inheritance. Affected: yes.

Women's Health and Genetics/Laboratory Corporation of America, LabCorp
Classification: Pathogenic for Medium-chain acyl-coenzyme A dehydrogenase deficiency. Last evaluated: 2022-06-10. Review status: criteria provided, single submitter. Criteria: LabCorp Variant Classification Summary - May 2015. Collection method: clinical testing. Allele origin: germline.
Comment: Variant summary: ACADM c.250C>T (p.Leu84Phe) results in a non-conservative amino acid change located in the Acyl-CoA dehydrogenase/oxidase, N-terminal domain (IPR013786) of the encoded protein sequence. Five of five in-silico tools predict a damaging effect of the variant on protein function. The variant allele was found at a frequency of 7.2e-05 in 251166 control chromosomes. This frequency is not significantly higher than expected for a pathogenic variant in ACADM causing Medium Chain Acyl-CoA Dehydrogenase Deficiency (7.2e-05 vs 0.0054), allowing no conclusion about variant significance. c.250C>T has been reported in the literature in multiple compound heterozygous individuals affected with Medium Chain Acyl-CoA Dehydrogenase Deficiency (Clayton_1998, Waddell_2006, Hsu_2008, Kennedy_2010, Smith_2010, Tangeraas_2020). These data indicate that the variant is very likely to be associated with disease. To our knowledge, no experimental evidence demonstrating an impact on protein function has been reported. Four ClinVar submitters (evaluation after 2014) cite the variant as pathogenic. Based on the evidence outlined above, the variant was classified as pathogenic.

Fulgent Genetics
Classification: Pathogenic for Medium-chain acyl-coenzyme A dehydrogenase deficiency. Last evaluated: 2022-03-28. Review status: criteria provided, single submitter. Criteria: ACMG Guidelines, 2015. Collection method: clinical testing. Allele origin: unknown.

ARUP Laboratories, Molecular Genetics and Genomics, ARUP Laboratories
Classification: Pathogenic for Medium-chain acyl-coenzyme A dehydrogenase deficiency. Last evaluated: 2015-02-20. Review status: criteria provided, single submitter. Criteria: ACMG Guidelines, 2015. Collection method: clinical testing. Allele origin: germline. Inheritance: Autosomal recessive inheritance. Observed: 3 heterozygotes.

Clinical Genetics Service, Universitary Hospital 12 de Octubre
Classification: Pathogenic for Medium-chain acyl-coenzyme A dehydrogenase deficiency. Review status: criteria provided, single submitter. Criteria: ACMG Guidelines, 2015. Collection method: clinical testing. Allele origin: paternal. Affected: yes.

Counsyl
Classification: Likely pathogenic for Medium-chain acyl-coenzyme A dehydrogenase deficiency. Last evaluated: 2014-02-13. Review status: no assertion criteria provided. Collection method: clinical testing. Allele origin: unknown. Not counted in ClinVar's aggregate classification.

Literature cited by the submitters: PubMed 16291504 (cited by 3 submitters); PubMed 20434380 (cited by 3 submitters); PubMed 21083904 (cited by 3 submitters); PubMed 22542437 (cited by Natera, Inc.); PubMed 9797589 (cited by Women's Health and Genetics/Laboratory Corporation of America, LabCorp); PubMed 33123633 (cited by Women's Health and Genetics/Laboratory Corporation of America, LabCorp); PubMed 18450854 (cited by Women's Health and Genetics/Laboratory Corporation of America, LabCorp and Counsyl); PubMed 21228398 (cited by Counsyl); PubMed 22630369 (cited by Counsyl).